The following is an entry in ClinVar:

NM_000257.4(MYH7):c.1366T>G (p.Phe456Val)

Gene: MYH7 (myosin heavy chain 7; minus strand). Cytogenetic location: 14q11.2.
Variant type: single nucleotide variant.
Coding change: c.1366T>G on transcript NM_000257.4 (MANE Select); coding-DNA position 1366, T replaced by G.
Protein change: p.Phe456Val; replaces phenylalanine 456 with valine.
Molecular consequence: missense variant.
Genome position (GRCh38, 1-based): chr14:23,428,996, A>C on the plus strand (T>G on the coding strand, the complement: MYH7 is on the minus strand). VCF-style: chr14-23428996-A-C. GRCh37 (hg19) VCF-style: chr14-23898205-A-C.
Other names: c.1366T>G, p.Phe456Val (NM_001407004.1); short protein forms F456V.
Identifiers: ClinVar variation 5025154 (VCV005025154.1).

ClinVar aggregate classification (germline): Uncertain significance (1 of 4 stars; one submission).

Conditions:
Cardiovascular phenotype. Identifiers: MedGen CN230736.

Submission:

Ambry Genetics
Classification: Uncertain significance for Cardiovascular phenotype. Last evaluated: 2026-06-23. Review status: criteria provided, single submitter. Criteria: Ambry Variant Classification Scheme 2023. Collection method: clinical testing. Allele origin: germline.
Comment: The p.F456V variant (also known as c.1366T>G), located in coding exon 12 of the MYH7 gene, results from a T to G substitution at nucleotide position 1366. The phenylalanine at codon 456 is replaced by valine, an amino acid with highly similar properties. This amino acid position is highly conserved in available vertebrate species. In addition, this alteration is predicted to be deleterious by in silico analysis. Based on the available evidence, the clinical significance of this variant remains unclear.